The following is an entry in ClinVar:

NM_000552.5(VWF):c.5700C>T (p.His1900=)

Gene: VWF (von Willebrand factor; minus strand). Cytogenetic location: 12p13.31.
Variant type: single nucleotide variant.
Coding change: c.5700C>T on transcript NM_000552.5 (MANE Select); coding-DNA position 5700, C replaced by T.
Protein change: p.His1900=; no amino-acid change (histidine 1900 retained).
Molecular consequence: synonymous variant.
Genome position (GRCh38, 1-based): chr12:6,011,759, G>A on the plus strand (C>T on the coding strand, the complement: VWF is on the minus strand). VCF-style: chr12-6011759-G-A. GRCh37 (hg19) VCF-style: chr12-6120925-G-A.
Identifiers: ClinVar variation 2642603 (VCV002642603.24), dbSNP rs756483628, ClinGen allele CA6402176.

ClinVar aggregate classification (germline): Likely benign (1 of 4 stars; one submission).

Allele frequency attached by ClinVar (database versions not stated): gnomAD exomes below 0.00001; ExAC 0.00001.
gnomAD v4.1: 2 of 1,613,412 alleles (0.00012%); highest among the groups gnomAD compares: Admixed American, 0.0017%; no homozygotes.

Submission:

CeGaT Center for Human Genetics Tuebingen
Classification: Likely benign. Last evaluated: 2023-05-01. Review status: criteria provided, single submitter. Criteria: CeGaT Center For Human Genetics Tuebingen Variant Classification Criteria Version 2. Collection method: clinical testing. Allele origin: germline. Affected: yes. Observed: 1 variant allele.
Comment: VWF: BP4, BP7